The following is an entry in ClinVar:

NM_001379500.1(COL18A1):c.107-12089_107-12085del

Gene: COL18A1 (collagen type XVIII alpha 1 chain; plus strand). Cytogenetic location: 21q22.3.
Variant type: Deletion.
Coding change: c.107-12089_107-12085del on transcript NM_001379500.1 (MANE Select); 12089 bases into the intron before coding-DNA position 107 through 12085 bases into the intron before coding-DNA position 107, 5 bases deleted (CCTCA; older notation c.107-12089_107-12085delCCTCA).
Molecular consequence: intron variant. On other transcripts: frameshift variant (2).
Genome position (GRCh38, 1-based): chr21:45,456,153-45,456,157, CCTCA deleted. VCF-style (leftmost placement, unchanged base first): chr21-45456152-CCCTCA-C. GRCh37 (hg19) VCF-style: chr21-46876066-CCCTCA-C.
Other names: c.623_627del, p.Pro208fs (NM_030582.4, NM_130444.3); short protein forms P208fs.
Identifiers: ClinVar variation 2116146 (VCV002116146.2), dbSNP rs2517514205, ClinGen allele CA2580098938.

ClinVar aggregate classification (germline): Uncertain significance (1 of 4 stars; one submission).

Submission:

Labcorp Genetics (formerly Invitae), Labcorp
Classification: Uncertain significance. Last evaluated: 2023-11-27. Review status: criteria provided, single submitter. Criteria: Invitae Variant Classification Sherloc (09022015). Collection method: clinical testing. Allele origin: germline.
Comment: The COL18A1 gene has multiple clinically relevant transcripts. This variant occurs in alternate transcript NM_030582.4, and corresponds to NM_130445.2:c.107-12089_107-12085del in the primary transcript. This sequence change creates a premature translational stop signal (p.Pro208Argfs*32) in the COL18A1 gene. However, it is currently unclear if variants that occur in this region of the gene cause disease. This variant is not present in population databases (gnomAD no frequency). This variant has not been reported in the literature in individuals affected with COL18A1-related conditions. ClinVar contains an entry for this variant (Variation ID: 2116146). Algorithms developed to predict the effect of sequence changes on RNA splicing suggest that this variant is not likely to affect RNA splicing. In summary, the available evidence is currently insufficient to determine the role of this variant in disease. Therefore, it has been classified as a Variant of Uncertain Significance.